The following is an entry in ClinVar:

NM_021620.4(PRDM13):c.136A>C (p.Lys46Gln)

Gene: PRDM13 (PR/SET domain 13; plus strand). Cytogenetic location: 6q16.2.
Variant type: single nucleotide variant.
Coding change: c.136A>C on transcript NM_021620.4 (MANE Select); coding-DNA position 136, A replaced by C.
Protein change: p.Lys46Gln; replaces lysine 46 with glutamine.
Molecular consequence: missense variant.
Genome position (GRCh38, 1-based): chr6:99,607,170, A>C. VCF-style: chr6-99607170-A-C. GRCh37 (hg19) VCF-style: chr6-100055046-A-C.
Other names: short protein forms K46Q.
Identifiers: ClinVar variation 1514508 (VCV001514508.6), dbSNP rs779448826, ClinGen allele CA3936101.

ClinVar aggregate classification (germline): Uncertain significance (1 of 4 stars; one submission).

Allele frequency attached by ClinVar (database versions not stated): gnomAD exomes below 0.00001 and 0.00001; TOPMed 0.00001; ExAC 0.00002.
gnomAD v4.1: 2 of 1,613,780 alleles (0.00012%); highest among the groups gnomAD compares: African/African-American, 0.0027%; no homozygotes.

Submission:

Labcorp Genetics (formerly Invitae), Labcorp
Classification: Uncertain significance. Last evaluated: 2023-12-30. Review status: criteria provided, single submitter. Criteria: Invitae Variant Classification Sherloc (09022015). Collection method: clinical testing. Allele origin: germline.
Comment: This sequence change replaces lysine, which is basic and polar, with glutamine, which is neutral and polar, at codon 46 of the PRDM13 protein (p.Lys46Gln). This variant is present in population databases (rs779448826, gnomAD 0.01%). This variant has not been reported in the literature in individuals affected with PRDM13-related conditions. ClinVar contains an entry for this variant (Variation ID: 1514508). An algorithm developed to predict the effect of missense changes on protein structure and function (PolyPhen-2) suggests that this variant is likely to be disruptive. In summary, the available evidence is currently insufficient to determine the role of this variant in disease. Therefore, it has been classified as a Variant of Uncertain Significance.